The following is an entry in ClinVar:

ClinVar aggregate classification (germline): Uncertain significance (1 of 4 stars; one submission).

Conditions:
Developmental and epileptic encephalopathy, 23 (DEE23). Also called: Epileptic encephalopathy, early infantile, 23. Identifiers: Orphanet 411986, MedGen C4014492, MONDO:0014371, OMIM 615859.

Allele frequency attached by ClinVar (database versions not stated): gnomAD exomes below 0.00001 and 0.00001; TOPMed below 0.00001.
gnomAD v4.1: 17 of 1,613,706 alleles (0.0011%); highest among the groups gnomAD compares: Non-Finnish European, 0.0014%; no homozygotes.

Submission:

Labcorp Genetics (formerly Invitae), Labcorp
Classification: Uncertain significance for Developmental and epileptic encephalopathy, 23. Last evaluated: 2021-08-20. Review status: criteria provided, single submitter. Criteria: Invitae Variant Classification Sherloc (09022015). Collection method: clinical testing. Allele origin: germline.
Comment: This sequence change replaces leucine with phenylalanine at codon 889 of the DOCK7 protein (p.Leu889Phe). The leucine residue is highly conserved and there is a small physicochemical difference between leucine and phenylalanine. This variant is not present in population databases (ExAC no frequency). This variant has not been reported in the literature in individuals affected with DOCK7-related conditions. Algorithms developed to predict the effect of missense changes on protein structure and function are either unavailable or do not agree on the potential impact of this missense change (SIFT: "Deleterious"; PolyPhen-2: "Probably Damaging"; Align-GVGD: "Class C0"). In summary, the available evidence is currently insufficient to determine the role of this variant in disease. Therefore, it has been classified as a Variant of Uncertain Significance.

NM_001367561.1(DOCK7):c.2665C>T (p.Leu889Phe)

Gene: DOCK7 (dedicator of cytokinesis 7; minus strand). Cytogenetic location: 1p31.3.
Variant type: single nucleotide variant.
Coding change: c.2665C>T on transcript NM_001367561.1 (MANE Select); coding-DNA position 2665, C replaced by T.
Protein change: p.Leu889Phe; replaces leucine 889 with phenylalanine.
Molecular consequence: missense variant.
Genome position (GRCh38, 1-based): chr1:62,552,833, G>A on the plus strand (C>T on the coding strand, the complement: DOCK7 is on the minus strand). VCF-style: chr1-62552833-G-A. GRCh37 (hg19) VCF-style: chr1-63018504-G-A.
Other names: c.2665C>T, p.Leu889Phe (NM_001271999.2, NM_001272000.2, NM_001272001.2 and 2 more transcripts); short protein forms L889F.
Identifiers: ClinVar variation 643096 (VCV000643096.6), dbSNP rs1352552376, ClinGen allele CA340620555.